The following is an entry in ClinVar:

NM_001164665.2(KIAA1549):c.1405G>A (p.Ala469Thr)

Gene: KIAA1549 (KIAA1549; minus strand). Cytogenetic location: 7q34.
Variant type: single nucleotide variant.
Coding change: c.1405G>A on transcript NM_001164665.2 (MANE Select); coding-DNA position 1405, G replaced by A.
Protein change: p.Ala469Thr; replaces alanine 469 with threonine.
Molecular consequence: missense variant.
Genome position (GRCh38, 1-based): chr7:138,918,221, C>T on the plus strand (G>A on the coding strand, the complement: KIAA1549 is on the minus strand). VCF-style: chr7-138918221-C-T. GRCh37 (hg19) VCF-style: chr7-138602967-C-T.
Other names: c.1405G>A, p.Ala469Thr (NM_020910.3); short protein forms A469T.
Identifiers: ClinVar variation 2064998 (VCV002064998.4), dbSNP rs1346256034, ClinGen allele CA369398888.

ClinVar aggregate classification (germline): Uncertain significance (1 of 4 stars; one submission).

Allele frequency attached by ClinVar (database versions not stated): gnomAD exomes below 0.00001; gnomAD 0.00001.
gnomAD v4.1: 2 of 1,613,888 alleles (0.00012%); highest among the groups gnomAD compares: Admixed American, 0.0017%; no homozygotes.

Submission:

Labcorp Genetics (formerly Invitae), Labcorp
Classification: Uncertain significance. Last evaluated: 2022-08-16. Review status: criteria provided, single submitter. Criteria: Invitae Variant Classification Sherloc (09022015). Collection method: clinical testing. Allele origin: germline.
Comment: This variant is present in population databases (no rsID available, gnomAD 0.003%). In summary, the available evidence is currently insufficient to determine the role of this variant in disease. Therefore, it has been classified as a Variant of Uncertain Significance. Algorithms developed to predict the effect of missense changes on protein structure and function output the following: SIFT: "Tolerated"; PolyPhen-2: "Benign"; Align-GVGD: "Class C0". The threonine amino acid residue is found in multiple mammalian species, which suggests that this missense change does not adversely affect protein function. This variant has not been reported in the literature in individuals affected with KIAA1549-related conditions. This sequence change replaces alanine, which is neutral and non-polar, with threonine, which is neutral and polar, at codon 469 of the KIAA1549 protein (p.Ala469Thr).